The following is an entry in ClinVar:

NM_000179.3(MSH6):c.2282G>C (p.Arg761Thr)

Gene: MSH6 (mutS homolog 6; plus strand). Cytogenetic location: 2p16.3.
Variant type: single nucleotide variant.
Coding change: c.2282G>C on transcript NM_000179.3 (MANE Select); coding-DNA position 2282, G replaced by C.
Protein change: p.Arg761Thr; replaces arginine 761 with threonine.
Molecular consequence: missense variant.
Genome position (GRCh38, 1-based): chr2:47,800,265, G>C. VCF-style: chr2-47800265-G-C. GRCh37 (hg19) VCF-style: chr2-48027404-G-C.
Other names: c.1892G>C, p.Arg631Thr (NM_001281492.2); c.1376G>C, p.Arg459Thr (NM_001281493.2, NM_001281494.2); short protein forms R459T, R631T, R761T.
Identifiers: ClinVar variation 640341 (VCV000640341.17), dbSNP rs587779233, ClinGen allele CA068739.
Genomic context (GRCh38, chr2:47,800,265, plus strand): 5'-ACAACTTGGAGATTTTTCTGAATGGAACAAATGGTTCTACTGAAGGAACCCTACTAGAGA[G>C]GGTTGATACTTGCCATACTCCTTTTGGTAAGCGGCTCCTAAAGCAATGGCTTTGTGCCCC-3'
Protein context (NP_000170.1, residues 751-771): NGSTEGTLLE[Arg761Thr]VDTCHTPFGK

ClinVar aggregate classification (germline): Conflicting classifications of pathogenicity. Review status: criteria provided, conflicting classifications (1 of 4 stars). 6 submissions from 6 submitters: Uncertain significance (5); Likely benign (1). Last evaluated 2024-06-29.

Conditions:
Hereditary nonpolyposis colorectal neoplasms. Identifiers: MedGen C0009405, MeSH D003123.
Hereditary cancer-predisposing syndrome. Also called: Neoplastic Syndromes, Hereditary; Tumor predisposition; Hereditary Cancer Syndrome; Hereditary neoplastic syndrome. Identifiers: Orphanet 140162, MedGen C0027672, MeSH D009386, MONDO:0015356.
Lynch syndrome 5 (LYNCH5). Also called: Hereditary non-polyposis colorectal cancer, type 5; Colorectal cancer, hereditary nonpolyposis, type 5. Identifiers: Orphanet 144, MedGen C1833477, MONDO:0013710, OMIM 614350. Disease mechanism: loss of function.

Allele frequency attached by ClinVar (database versions not stated): gnomAD exomes below 0.00001 and 0.00001; ExAC 0.00001; TOPMed 0.00001.

Submissions (6):

Labcorp Genetics (formerly Invitae), Labcorp
Classification: Likely benign for Hereditary nonpolyposis colorectal neoplasms. Last evaluated: 2024-06-29. Review status: criteria provided, single submitter. Criteria: Invitae Variant Classification Sherloc (09022015). Collection method: clinical testing. Allele origin: germline.

Ambry Genetics
Classification: Uncertain significance for Hereditary cancer-predisposing syndrome. Last evaluated: 2024-06-10. Review status: criteria provided, single submitter. Criteria: Ambry Variant Classification Scheme 2023. Collection method: clinical testing. Allele origin: germline.
Comment: The p.R761T variant (also known as c.2282G>C), located in coding exon 4 of the MSH6 gene, results from a G to C substitution at nucleotide position 2282. The arginine at codon 761 is replaced by threonine, an amino acid with similar properties. This amino acid position is not well conserved in available vertebrate species. In addition, the in silico prediction for this alteration is inconclusive. Since supporting evidence is limited at this time, the clinical significance of this alteration remains unclear.

Color Diagnostics, LLC DBA Color Health
Classification: Uncertain significance for Hereditary cancer-predisposing syndrome. Last evaluated: 2023-12-04. Review status: criteria provided, single submitter. Criteria: ACMG Guidelines, 2015. Collection method: clinical testing. Allele origin: germline.
Comment: This missense variant replaces arginine with threonine at codon 761 of the MSH6 protein. Computational prediction suggests that this variant may not impact protein structure and function (internally defined REVEL score threshold <= 0.5, PMID: 27666373). To our knowledge, functional studies have not been reported for this variant. This variant has not been reported in individuals affected with MSH6-related disorders in the literature. This variant has been identified in 2/251122 chromosomes in the general population by the Genome Aggregation Database (gnomAD). The available evidence is insufficient to determine the role of this variant in disease conclusively. Therefore, this variant is classified as a Variant of Uncertain Significance.

GeneDx
Classification: Uncertain significance. Last evaluated: 2023-01-17. Review status: criteria provided, single submitter. Criteria: GeneDx Variant Classification Process June 2021. Collection method: clinical testing. Allele origin: germline. Affected: yes.
Comment: Not observed at significant frequency in large population cohorts (gnomAD); In silico analysis supports that this missense variant does not alter protein structure/function; Has not been previously published as pathogenic or benign to our knowledge; This variant is associated with the following publications: (PMID: 17531815, 21120944)

Division of Medical Genetics, University of Washington
Classification: Uncertain significance for Lynch syndrome 5. Last evaluated: 2020-04-01. Review status: criteria provided, single submitter. Criteria: ACMG Guidelines, 2015. Collection method: clinical testing. Allele origin: germline. Affected: no. Study: CSER_CHARM.
Comment: To our knowledge, this sequence variant has not been previously reported in the literature. This variant has an overall allele frequency of 0.000008 in the Broad Institute gnomAD Browser. In silico analyses indicate that this variant may not alter protein structure/function. Thus, it is unknown at this time whether this variant increases cancer risk. PM2; BP4

Women's Health and Genetics/Laboratory Corporation of America, LabCorp
Classification: Uncertain significance. Last evaluated: 2019-04-03. Review status: criteria provided, single submitter. Criteria: LabCorp Variant Classification Summary - May 2015. Collection method: clinical testing. Allele origin: germline.
Comment: Variant summary: MSH6 c.2282G>C (p.Arg761Thr) results in a non-conservative amino acid change located in the DNA mismatch repair protein MutS, core domain of the encoded protein sequence. Three of five in-silico tools predict a benign effect of the variant on protein function. The variant allele was found at a frequency of 8.1e-06 in 245860 control chromosomes (gnomAD). The available data on variant occurrences in the general population are insufficient to allow any conclusion about variant significance. To our knowledge, no occurrence of c.2282G>C in individuals affected with Lynch Syndrome and no experimental evidence demonstrating its impact on protein function have been reported. No clinical diagnostic laboratories have submitted clinical-significance assessments for this variant to ClinVar after 2014. Based on the evidence outlined above, the variant was classified as uncertain significance.